The following is an entry in ClinVar:

ClinVar aggregate classification (germline): Uncertain significance (1 of 4 stars; one submission).

Submission:

Labcorp Genetics (formerly Invitae), Labcorp
Classification: Uncertain significance. Last evaluated: 2025-11-04. Review status: criteria provided, single submitter. Criteria: Invitae Variant Classification Sherloc (09022015). Collection method: clinical testing. Allele origin: germline.
Comment: This sequence change replaces valine, which is neutral and non-polar, with leucine, which is neutral and non-polar, at codon 390 of the DLC1 protein (p.Val390Leu). This variant is not present in population databases (gnomAD no frequency). This variant has not been reported in the literature in individuals affected with DLC1-related conditions. An algorithm developed to predict the effect of missense changes on protein structure and function (PolyPhen-2) suggests that this variant is likely to be tolerated. In summary, the available evidence is currently insufficient to determine the role of this variant in disease. Therefore, it has been classified as a Variant of Uncertain Significance.

NM_182643.3(DLC1):c.1168G>C (p.Val390Leu)

Gene: DLC1 (DLC1 Rho GTPase activating protein; minus strand). Cytogenetic location: 8p22.
Variant type: single nucleotide variant.
Coding change: c.1168G>C on transcript NM_182643.3 (MANE Select); coding-DNA position 1168, G replaced by C.
Protein change: p.Val390Leu; replaces valine 390 with leucine.
Molecular consequence: missense variant. On other transcripts: 5 prime UTR variant (1).
Genome position (GRCh38, 1-based): chr8:13,401,475, C>G on the plus strand (G>C on the coding strand, the complement: DLC1 is on the minus strand). VCF-style: chr8-13401475-C-G. GRCh37 (hg19) VCF-style: chr8-13258984-C-G.
Other names: c.-284G>C (NM_001348082.2); c.1168G>C, p.Val390Leu (NM_001413124.1, NM_001413125.1, NM_024767.5 and 1 more transcripts); short protein forms V390L.
Identifiers: ClinVar variation 4767631 (VCV004767631.1).